The following is an entry in ClinVar:

ClinVar aggregate classification (germline): Likely benign. Review status: criteria provided, multiple submitters, no conflicts (2 of 4 stars). 3 submissions from 3 submitters: Likely benign (3). Last evaluated 2026-04-15.

Conditions:
TRAF3IP2-related disorder. Also called: TRAF3IP2-related condition.
Candidiasis, familial, 8 (CANDF8). Identifiers: Orphanet 1334, MedGen C3714992, MONDO:0014230, OMIM 615527.

Allele frequency attached by ClinVar (database versions not stated): ESP Exome Variant Server 0.00008; gnomAD exomes 0.00019 and 0.00055; ExAC 0.00037; gnomAD 0.00053; 1000 Genomes Project 30x 0.00109; 1000 Genomes Project 0.00120; TOPMed 0.00122.
gnomAD v4.1: 388 of 1,614,214 alleles (0.024%); highest among the groups gnomAD compares: Admixed American, 0.34%; 2 homozygotes.

Submissions (3):

PreventionGenetics, part of Exact Sciences
Classification: Likely benign for TRAF3IP2-related condition. Last evaluated: 2026-04-15. Review status: criteria provided, single submitter. Criteria: ACMG Guidelines, 2015. Collection method: clinical testing. Allele origin: germline.
Comment: This variant is classified as likely benign based on ACMG/AMP sequence variant interpretation guidelines (Richards et al. 2015 PMID: 25741868, with internal and published modifications).

Labcorp Genetics (formerly Invitae), Labcorp
Classification: Likely benign for Candidiasis, familial, 8. Last evaluated: 2026-02-02. Review status: criteria provided, single submitter. Criteria: Invitae Variant Classification Sherloc (09022015). Collection method: clinical testing. Allele origin: germline.

Blueprint Genetics
Classification: Likely benign. Last evaluated: 2024-11-21. Review status: criteria provided, single submitter. Criteria: ACMG Guidelines, 2015. Collection method: clinical testing. Allele origin: germline.

NM_147686.4(TRAF3IP2):c.237G>C (p.Gln79His)

Genes: TRAF3IP2 (TRAF3 interacting protein 2; minus strand), TRAF3IP2-AS1 (TRAF3IP2 antisense RNA 1; plus strand), LOC114803478 (TRAF3IP2 eExon liver enhancer; plus strand). Cytogenetic location: 6q21.
Variant type: single nucleotide variant.
Coding change: c.237G>C on transcript NM_147686.4 (MANE Select); coding-DNA position 237, G replaced by C.
Protein change: p.Gln79His; replaces glutamine 79 with histidine.
Molecular consequence: missense variant.
Genome position (GRCh38, 1-based): chr6:111,591,850, C>G on the plus strand (G>C on the coding strand, the complement: TRAF3IP2 is on the minus strand). VCF-style: chr6-111591850-C-G. GRCh37 (hg19) VCF-style: chr6-111913053-C-G.
Other names: c.237G>C, p.Gln79His (NM_001164281.3); c.264G>C, p.Gln88His (NM_147200.3); short protein forms Q79H, Q88H.
Identifiers: ClinVar variation 581633 (VCV000581633.13), dbSNP rs150601696, ClinGen allele CA3963362.